The following is an entry in ClinVar:

ClinVar aggregate classification (germline): Likely pathogenic. Review status: reviewed by expert panel (3 of 4 stars). 2 submissions from 2 submitters: Likely pathogenic (1). 1 of the submissions does not count toward it. Last evaluated 2025-12-19.

Conditions:
Hereditary antithrombin deficiency (AT3D). Also called: Reduced antithrombin III activity; Antithrombin deficiency; Antithrombin III deficiency; Thrombophilia due to antithrombin III deficiency. Identifiers: Orphanet 82, MedGen C0272375, MONDO:0013144, OMIM 613118, HP:0001976.

Submissions (2):

Clingen Thrombosis Variant Curation Expert Panel, ClinGen
Classification: Likely pathogenic for Hereditary antithrombin deficiency. Last evaluated: 2025-12-19. Review status: reviewed by expert panel. Criteria: ClinGen ACMG Specifications SERPINC1 V1.0.0. Collection method: curation. Allele origin: germline. Inheritance: Autosomal dominant inheritance.
Comment: The c.116T>A (NM_000488.4) variant in SERPINC1 is a missense variant predicted to cause substitution of isoleucine by asparagine at amino acid 39 (p.Ile39Asn, described originally as AT-III Rouen III with legacy protein nomenclature, p.Ile7Asn, I7N). This variant alters a highly conserved residue, that would impact a known heparin binding site (PM1). The variant is absent from gnomAD (v4.1.0) in a region with good coverage profile across both genomes and exomes (PM2_supporting). The computational predictor REVEL gives a score of 0.68, which is above the threshold of 0.6, which correlates with a deleterious impact to SERPINC1 function (PP3). In-vitro functional studies in transfected HEK-EBNA cells with p.Ile39Asn demonstrated inefficient N-glycosylation with secretion of alternative glycosylation driving low heparin-binding affinity (Rosa Cifuentes Riquelme, 2024 Online thesis from Universidad de Murcia – directed by Javier Corral; obtained from an online resource, March 2024). This variant was reported in at least on individual meeting criteria for PS4_Supporting (Brennan et al., 1988; PMID: 3169232). In summary, this variant meets the criteria to be classified as likely pathogenic for autosomal dominant antithrombin deficiency based on the ACMG/AMP criteria applied, as specified by the ClinGen Thrombosis VCEP PM1, PM2_supporting, PS3_supporting, PS4_supporting, and PP3.

OMIM
Classification: Pathogenic for THROMBOPHILIA DUE TO ANTITHROMBIN III DEFICIENCY. Last evaluated: 1996-01-01. Review status: no assertion criteria provided. Collection method: literature only. Allele origin: germline. Not counted in ClinVar's aggregate classification.

Literature cited by the submitters: PubMed 3169232 (cited by OMIM); PubMed 2615648 (cited by OMIM).

NM_000488.4(SERPINC1):c.116T>A (p.Ile39Asn)

Gene: SERPINC1 (serpin family C member 1; minus strand). Cytogenetic location: 1q25.1.
Variant type: single nucleotide variant.
Coding change: c.116T>A on transcript NM_000488.4 (MANE Select); coding-DNA position 116, T replaced by A.
Protein change: p.Ile39Asn; replaces isoleucine 39 with asparagine.
Molecular consequence: missense variant. On other transcripts: 5 prime UTR variant (1).
Genome position (GRCh38, 1-based): chr1:173,914,845, A>T on the plus strand (T>A on the coding strand, the complement: SERPINC1 is on the minus strand). VCF-style: chr1-173914845-A-T. GRCh37 (hg19) VCF-style: chr1-173883983-A-T.
Other names: I7N; NM_000488.4(SERPINC1):c.116T>A; c.116T>A, p.Ile39Asn (NM_001386305.1, NM_001386306.1, NM_001386302.1 and 1 more transcripts); c.-29T>A (NM_001365052.2); c.197T>A, p.Ile66Asn (NM_001386303.1); short protein forms I39N, I66N.
Identifiers: ClinVar variation 18021 (VCV000018021.3), dbSNP rs121909558, ClinGen allele CA210770.